The following is an entry in ClinVar:

NM_000168.6(GLI3):c.4437dup (p.Leu1480fs)

Gene: GLI3 (GLI family zinc finger 3; minus strand). Cytogenetic location: 7p14.1.
Variant type: Duplication.
Coding change: c.4437dup on transcript NM_000168.6 (MANE Select); coding-DNA position 4437, one base duplicated (A; older notation c.4437dupA).
Protein change: p.Leu1480fs; shifts the reading frame from leucine 1480.
Molecular consequence: frameshift variant.
Genome position (GRCh38, 1-based): chr7:41,964,636, T duplicated on the plus strand (A on the coding strand, the reverse complement: GLI3 is on the minus strand). VCF-style (leftmost placement, unchanged base first): chr7-41964635-G-GT. GRCh37 (hg19) VCF-style: chr7-42004233-G-GT.
Other names: short protein forms L1480fs.
Identifiers: ClinVar variation 4823625 (VCV004823625.4).

ClinVar aggregate classification (germline): Likely pathogenic (1 of 4 stars; one submission).

Submission:

CeGaT Center for Human Genetics Tuebingen
Classification: Likely pathogenic. Last evaluated: 2026-03-01. Review status: criteria provided, single submitter. Criteria: CeGaT Center For Human Genetics Tuebingen Variant Classification Criteria Version 2. Collection method: clinical testing. Allele origin: germline. Affected: yes. Observed: 1 variant allele.
Comment: GLI3: PVS1:Strong, PM2